The following is an entry in ClinVar:

ClinVar aggregate classification (germline): Likely pathogenic. Review status: criteria provided, multiple submitters, no conflicts (2 of 4 stars). 2 submissions from 2 submitters: Likely pathogenic (2). Last evaluated 2025-09-28.

Conditions:
Alstrom syndrome (ALMS). Identifiers: Orphanet 64, MedGen C0268425, MONDO:0008763, OMIM 203800.

Allele frequency attached by ClinVar (database versions not stated): gnomAD exomes below 0.00001.
gnomAD v4.1: 1 of 1,613,746 alleles (0.000062%); highest among the groups gnomAD compares: Non-Finnish European, 0.000085%; no homozygotes.

Submissions (2):

Natera, Inc.
Classification: Likely pathogenic for Alstrom syndrome. Last evaluated: 2025-09-28. Review status: criteria provided, single submitter. Criteria: Natera Variant Classification Schema (03/2026). Collection method: clinical testing. Allele origin: germline.
Comment: The c.6178C>T variant in ALMS1 is a nonsense variant predicted to introduce a stop codon at amino acid 2060. This variant is expected to result in nonsense mediated decay, truncation, or a dysfunctional protein product. This variant is rare in the general population with a frequency below the threshold expected for the associated phenotype(s). Given the available evidence, this variant is classified as Likely Pathogenic.

Myriad Genetics, Inc.
Classification: Likely pathogenic for Alstrom syndrome. Last evaluated: 2022-03-30. Review status: criteria provided, single submitter. Criteria: Myriad Women's Health Autosomal Recessive and X-Linked Classification Criteria (2021). Collection method: clinical testing. Allele origin: unknown.
Comment: NM_015120.4(ALMS1):c.6178C>T(Q2060*) is expected to be pathogenic in the context of Alstrom syndrome. This variant is predicted to lead to an abnormal or absent protein product due to the creation of a premature termination codon in ALMS1, a gene where loss-of-function variants are known to be pathogenic. Please note: this variant was assessed in the context of healthy population screening.

NM_001378454.1(ALMS1):c.6175C>T (p.Gln2059Ter)

Gene: ALMS1 (ALMS1 centrosome and basal body associated protein; plus strand). Cytogenetic location: 2p13.1.
Variant type: single nucleotide variant.
Coding change: c.6175C>T on transcript NM_001378454.1 (MANE Select); coding-DNA position 6175, C replaced by T.
Protein change: p.Gln2059Ter; replaces glutamine 2059 with a stop codon.
Molecular consequence: nonsense.
Genome position (GRCh38, 1-based): chr2:73,452,702, C>T. VCF-style: chr2-73452702-C-T. GRCh37 (hg19) VCF-style: chr2-73679829-C-T.
Other names: c.6178C>T, p.Gln2060Ter (NM_015120.4); short protein forms Q2059*, Q2060*.
Identifiers: ClinVar variation 1725662 (VCV001725662.3), dbSNP rs2466108210, ClinGen allele CA347285177.